The following is an entry in ClinVar:

ClinVar aggregate classification (germline): Likely benign. Review status: criteria provided, single submitter (1 of 4 stars). 2 submissions from 1 submitter: Likely benign (2). Last evaluated 2018-01-12.

Conditions:
Susceptibility to mononeuropathy of the median nerve, mild. Also called: CARPAL TUNNEL SYNDROME, SUSCEPTIBILITY TO. Identifiers: MedGen C3150596, MONDO:0013237, OMIM 613353.
Charcot-Marie-Tooth disease type 4C (CMT4C). Also called: CHARCOT-MARIE-TOOTH DISEASE, DEMYELINATING, AUTOSOMAL RECESSIVE, TYPE 4C; CMT 4C; Charcot-Marie-Tooth Neuropathy Type 4C (CMT4C); CHARCOT-MARIE-TOOTH DISEASE, DEMYELINATING, TYPE 4C; SH3TC2-Related Hereditary Motor and Sensory Neuropathy. Identifiers: Orphanet 99949, MedGen C1866636, MONDO:0011113, OMIM 601596.

Allele frequency attached by ClinVar (database versions not stated): 1000 Genomes Project 30x 0.00250; 1000 Genomes Project 0.00280; gnomAD 0.00353 and 0.00387; TOPMed 0.00410.
gnomAD v4.1: 532 of 152,262 alleles (0.35%); highest among the groups gnomAD compares: African/African-American, 1.2%; 4 homozygotes.

Submissions (2):

Illumina Laboratory Services, Illumina
Classification: Likely benign for Susceptibility to mononeuropathy of the median nerve, mild. Last evaluated: 2018-01-12. Review status: criteria provided, single submitter. Criteria: ICSL Variant Classification Criteria 13 December 2019. Collection method: clinical testing. Allele origin: germline.
Comment: This variant was observed in the ICSL laboratory as part of a predisposition screen in an ostensibly healthy population. It had not been previously curated by ICSL or reported in the Human Gene Mutation Database (HGMD: prior to June 1st, 2018), and was therefore a candidate for classification through an automated scoring system. Utilizing variant allele frequency, disease prevalence and penetrance estimates, and inheritance mode, an automated score was calculated to assess if this variant is too frequent to cause the disease. Based on the score and internal cut-off values, a variant classified as likely benign is not then subjected to further curation. The score for this variant resulted in a classification of likely benign for this disease.

Illumina Laboratory Services, Illumina
Classification: Likely benign for Charcot-Marie-Tooth disease type 4C. Last evaluated: 2018-01-12. Review status: criteria provided, single submitter. Criteria: ICSL Variant Classification Criteria 13 December 2019. Collection method: clinical testing. Allele origin: germline.
Comment: the same text as in the submission from Illumina Laboratory Services, Illumina above.

NM_024577.4(SH3TC2):c.*8277G>A

Gene: SH3TC2 (SH3 domain and tetratricopeptide repeats 2; minus strand). Cytogenetic location: 5q32.
Variant type: single nucleotide variant.
Coding change: c.*8277G>A on transcript NM_024577.4 (MANE Select); 8277 bases downstream of the stop codon, G replaced by A.
Molecular consequence: 3 prime UTR variant.
Genome position (GRCh38, 1-based): chr5:148,996,434, C>T on the plus strand (G>A on the coding strand, the complement: SH3TC2 is on the minus strand). VCF-style: chr5-148996434-C-T. GRCh37 (hg19) VCF-style: chr5-148375997-C-T.
Identifiers: ClinVar variation 351757 (VCV000351757.5), dbSNP rs147532508, ClinGen allele CA10623408.